The following is an entry in ClinVar:

ClinVar aggregate classification (germline): Likely pathogenic (1 of 4 stars; one submission).

Conditions:
Spongy degeneration of central nervous system. Also called: ACY2 DEFICIENCY; AMINOACYLASE 2 DEFICIENCY; ASP DEFICIENCY; ASPA DEFICIENCY; ASPARTOACYLASE DEFICIENCY; CANAVAN-VAN BOGAERT-BERTRAND DISEASE. Identifiers: Orphanet 141, MedGen C0206307, MONDO:0010079, OMIM 271900.

gnomAD v4.1: 1 of 1,612,208 alleles (0.000062%); highest among the groups gnomAD compares: Non-Finnish European, 0.000085%; no homozygotes.

Submission:

Natera, Inc.
Classification: Likely pathogenic for Canavan Disease. Last evaluated: 2024-11-19. Review status: criteria provided, single submitter. Criteria: Natera Variant Classification Schema (03/2026). Collection method: clinical testing. Allele origin: germline.
Comment: The c.544C>T variant in ASPA is a nonsense variant predicted to introduce a stop codon at amino acid 182. This variant is expected to result in nonsense mediated decay, truncation, or a dysfunctional protein product. This variant is rare in the general population with a frequency below the threshold expected for the associated phenotype(s). Given the available evidence, this variant is classified as Likely Pathogenic.

NM_000049.4(ASPA):c.544C>T (p.Gln182Ter)

Genes: SPATA22 (spermatogenesis associated 22; minus strand), ASPA (aspartoacylase; plus strand). Cytogenetic location: 17p13.2.
Variant type: single nucleotide variant.
Coding change: c.544C>T on transcript NM_000049.4 (MANE Select); coding-DNA position 544, C replaced by T.
Protein change: p.Gln182Ter; replaces glutamine 182 with a stop codon.
Molecular consequence: nonsense. On other transcripts: intron variant (2).
Genome position (GRCh38, 1-based): chr17:3,489,252, C>T. VCF-style: chr17-3489252-C-T. GRCh37 (hg19) VCF-style: chr17-3392546-C-T.
Other names: c.544C>T, p.Gln182Ter (NM_001128085.1); c.-73-19854G>A (NM_001321336.2, NM_001321337.2); short protein forms Q182*.
Identifiers: ClinVar variation 4818467 (VCV004818467.1).
Genomic context (GRCh38, chr17:3,489,252, plus strand): 5'-TTCATACTTATATAAATGTGACTATCTCTCCTTCTGTACCTAGGTATAGAAGTTGGTCCT[C>T]AGCCTCAAGGGGTTCTGAGAGCTGATATCTTGGATCAAATGAGAAAAATGATTAAACATG-3'